The following is an entry in ClinVar:

ClinVar aggregate classification (germline): Uncertain significance (0 of 4 stars; one submission).

Conditions:
TPM1-related disorder. Also called: TPM1-related condition.

Submission:

PreventionGenetics, part of Exact Sciences
Classification: Uncertain significance for TPM1-related condition. Last evaluated: 2024-02-12. Review status: no assertion criteria provided. Collection method: clinical testing. Allele origin: germline.
Comment: The TPM1 c.720G>C variant is predicted to result in the amino acid substitution p.Glu240Asp. To our knowledge, this variant has not been reported in the literature or in a large population database, indicating this variant is rare. At this time, the clinical significance of this variant is uncertain due to the absence of conclusive functional and genetic evidence.

NM_001018005.2(TPM1):c.720G>C (p.Glu240Asp)

Gene: TPM1 (tropomyosin 1; plus strand). Cytogenetic location: 15q22.2.
Variant type: single nucleotide variant.
Coding change: c.720G>C on transcript NM_001018005.2 (MANE Select); coding-DNA position 720, G replaced by C.
Protein change: p.Glu240Asp; replaces glutamic acid 240 with aspartic acid.
Molecular consequence: missense variant. On other transcripts: non-coding transcript variant (17).
Genome position (GRCh38, 1-based): chr15:63,062,593, G>C. VCF-style: chr15-63062593-G-C. GRCh37 (hg19) VCF-style: chr15-63354792-G-C.
Other names: c.720G>C, p.Glu240Asp (NM_000366.6, NM_001018004.2, NM_001018006.2 and 20 more transcripts); c.612G>C, p.Glu204Asp (NM_001018008.2, NM_001301289.2, NM_001330344.2 and 9 more transcripts); c.846G>C, p.Glu282Asp (NM_001365778.1, NM_001407322.1, NM_001407323.1 and 1 more transcripts); short protein forms E204D, E240D, E282D.
Identifiers: ClinVar variation 3061182 (VCV003061182.2), dbSNP rs2542850766, ClinGen allele CA392724570.
Genomic context (GRCh38, chr15:63,062,593, plus strand): 5'-AAACATAAAACTTCCCAACTTTAACTCAAATAAATCATTACAGGCTGAGACTCGGGCTGA[G>C]TTTGCGGAGAGGTCAGTAACTAAATTGGAGAAAAGCATTGATGACTTAGAAGGTAAGATC-3'
Protein context (NP_001018005.1, residues 230-250): DKLKEAETRA[Glu240Asp]FAERSVTKLE